The following is an entry in ClinVar:

ClinVar aggregate classification (germline): Uncertain significance (1 of 4 stars; one submission).

Conditions:
3-methylglutaconic aciduria, type VIIB (MGCA7B). Also called: 3-methylglutaconic aciduria with cataracts, neurologic involvement and neutropenia; CLPB Deficiency; 3-methylglutaconic aciduria, type VII, with cataracts, neurologic involvement and neutropenia. Identifiers: Orphanet 445038, MedGen C5676893, MONDO:0014561, OMIM 616271.

Allele frequency attached by ClinVar (database versions not stated): gnomAD 0.00010; TOPMed 0.00010.
gnomAD v4.1: 27 of 1,606,074 alleles (0.0017%); highest among the groups gnomAD compares: Admixed American, 0.035%; no homozygotes.

Submission:

Labcorp Genetics (formerly Invitae), Labcorp
Classification: Uncertain significance for 3-methylglutaconic aciduria, type VIIB. Last evaluated: 2025-03-03. Review status: criteria provided, single submitter. Criteria: Invitae Variant Classification Sherloc (09022015). Collection method: clinical testing. Allele origin: germline.
Comment: This sequence change replaces arginine, which is basic and polar, with histidine, which is basic and polar, at codon 280 of the CLPB protein (p.Arg280His). This variant is present in population databases (no rsID available, gnomAD 0.02%). This variant has not been reported in the literature in individuals affected with CLPB-related conditions. ClinVar contains an entry for this variant (Variation ID: 2143247). An algorithm developed to predict the effect of missense changes on protein structure and function (PolyPhen-2) suggests that this variant is likely to be tolerated. In summary, the available evidence is currently insufficient to determine the role of this variant in disease. Therefore, it has been classified as a Variant of Uncertain Significance.

NM_001258392.3(CLPB):c.749G>A (p.Arg250His)

Gene: CLPB (ClpB family mitochondrial disaggregase; minus strand). Cytogenetic location: 11q13.4.
Variant type: single nucleotide variant.
Coding change: c.749G>A on transcript NM_001258392.3 (MANE Select); coding-DNA position 749, G replaced by A.
Protein change: p.Arg250His; replaces arginine 250 with histidine.
Molecular consequence: missense variant.
Genome position (GRCh38, 1-based): chr11:72,358,906, C>T on the plus strand (G>A on the coding strand, the complement: CLPB is on the minus strand). VCF-style: chr11-72358906-C-T. GRCh37 (hg19) VCF-style: chr11-72069950-C-T.
Other names: c.662G>A, p.Arg221His (NM_001258393.3); c.704G>A, p.Arg235His (NM_001258394.3); c.839G>A, p.Arg280His (NM_030813.6); short protein forms R235H, R250H, R280H, R221H.
Identifiers: ClinVar variation 2143247 (VCV002143247.4), dbSNP rs1038447717, ClinGen allele CA224469760.